The following is an entry in ClinVar:

NM_000059.4(BRCA2):c.6214T>C (p.Ser2072Pro)

Gene: BRCA2 (BRCA2 DNA repair associated; plus strand). Cytogenetic location: 13q13.1.
Variant type: single nucleotide variant.
Coding change: c.6214T>C on transcript NM_000059.4 (MANE Select); coding-DNA position 6214, T replaced by C.
Protein change: p.Ser2072Pro; replaces serine 2072 with proline.
Molecular consequence: missense variant.
Genome position (GRCh38, 1-based): chr13:32,340,569, T>C. VCF-style: chr13-32340569-T-C. GRCh37 (hg19) VCF-style: chr13-32914706-T-C.
Other names: short protein forms S2072P.
Identifiers: ClinVar variation 834290 (VCV000834290.9), dbSNP rs878853594, ClinGen allele CA387788860.

ClinVar aggregate classification (germline): Conflicting classifications of pathogenicity. Review status: criteria provided, conflicting classifications (1 of 4 stars). 2 submissions from 2 submitters: Uncertain significance (1); Likely benign (1). Last evaluated 2023-03-23.

Conditions:
Hereditary breast ovarian cancer syndrome. Also called: Hereditary breast and ovarian cancer syndrome; Breast and ovarian cancer; BRCA1- and BRCA2-Associated Hereditary Breast and Ovarian Cancer; Hereditary breast and ovarian cancer; Hereditary breast and/or ovarian cancer syndrome; Hereditary breast and ovarian cancer syndrome (HBOC). Identifiers: Orphanet 145, MedGen C0677776, MeSH D061325, MONDO:0003582. Disease mechanism: loss of function.
Hereditary cancer-predisposing syndrome. Also called: Hereditary neoplastic syndrome; Neoplastic Syndromes, Hereditary; Tumor predisposition; Hereditary Cancer Syndrome. Identifiers: Orphanet 140162, MedGen C0027672, MeSH D009386, MONDO:0015356.

Submissions (2):

University of Washington Department of Laboratory Medicine, University of Washington
Classification: Likely benign for Hereditary cancer-predisposing syndrome. Last evaluated: 2023-03-23. Review status: criteria provided, single submitter. Criteria: Dines et al. (Genet Med. 2020). Collection method: curation. Allele origin: germline.
Comment: Missense variant in a coldspot region where missense variants are very unlikely to be pathogenic (PMID:31911673).

BRCA2 exon 11 coldspot. Reclassification based on statistical prior probability.

Labcorp Genetics (formerly Invitae), Labcorp
Classification: Uncertain significance for Hereditary breast ovarian cancer syndrome. Last evaluated: 2021-09-16. Review status: criteria provided, single submitter. Criteria: Invitae Variant Classification Sherloc (09022015). Collection method: clinical testing. Allele origin: germline.
Comment: In summary, the available evidence is currently insufficient to determine the role of this variant in disease. Therefore, it has been classified as a Variant of Uncertain Significance. Algorithms developed to predict the effect of missense changes on protein structure and function are either unavailable or do not agree on the potential impact of this missense change (SIFT: "Deleterious"; PolyPhen-2: "Possibly Damaging"; Align-GVGD: "Class C0"). This variant has not been reported in the literature in individuals affected with BRCA2-related conditions. This variant is not present in population databases (ExAC no frequency). This sequence change replaces serine with proline at codon 2072 of the BRCA2 protein (p.Ser2072Pro). The serine residue is weakly conserved and there is a moderate physicochemical difference between serine and proline.